The following is an entry in ClinVar:

ClinVar aggregate classification (germline): Uncertain significance (1 of 4 stars; one submission).

Conditions:
TTC21B-related disorder. Also called: TTC21B-related disorders; TTC21B-related condition.

Submission:

PreventionGenetics, part of Exact Sciences
Classification: Uncertain significance for TTC21B-related condition. Last evaluated: 2024-12-08. Review status: criteria provided, single submitter. Criteria: ACMG Guidelines, 2015. Collection method: clinical testing. Allele origin: germline.
Comment: The TTC21B c.3704A>G variant is predicted to result in the amino acid substitution p.Glu1235Gly. To our knowledge, this variant has not been reported in the literature or in a large population database (gnomAD), indicating this variant is rare. At this time, the clinical significance of this variant is uncertain due to the absence of conclusive functional and genetic evidence.

NM_024753.5(TTC21B):c.3704A>G (p.Glu1235Gly)

Gene: TTC21B (tetratricopeptide repeat domain 21B; minus strand). Cytogenetic location: 2q24.3.
Variant type: single nucleotide variant.
Coding change: c.3704A>G on transcript NM_024753.5 (MANE Select); coding-DNA position 3704, A replaced by G.
Protein change: p.Glu1235Gly; replaces glutamic acid 1235 with glycine.
Molecular consequence: missense variant.
Genome position (GRCh38, 1-based): chr2:165,880,780, T>C on the plus strand (A>G on the coding strand, the complement: TTC21B is on the minus strand). VCF-style: chr2-165880780-T-C. GRCh37 (hg19) VCF-style: chr2-166737290-T-C.
Other names: short protein forms E1235G.
Identifiers: ClinVar variation 5001208 (VCV005001208.1).
Genomic context (GRCh38, chr2:165,880,780, plus strand): 5'-TCATAGTTCAAGGCAGCATCTGTATATGCTTGCTCTTTTTCCATAATGTATCCCATATAT[T>C]CATAAGCTTTGCAGCAAGACTGAAGAAAAATGGGAGACATCAATAGATTAAACTTGATAT-3'
Protein context (NP_079029.3, residues 1225-1245): RHNRSCCKAY[Glu1235Gly]YMGYIMEKEQ